The following is an entry in ClinVar:

NM_001170700.3(DTHD1):c.1215_1218+66dup

Gene: DTHD1 (death domain containing 1; plus strand). Cytogenetic location: 4p14.
Variant type: Duplication.
Coding change: c.1215_1218+66dup on transcript NM_001170700.3 (MANE Select); coding-DNA position 1215 through 66 bases into the intron after coding-DNA position 1218, 70 bases duplicated.
Molecular consequence: splice donor variant.
Genome position (GRCh38, 1-based): chr4:36,290,700-36,290,769, 70 bases duplicated. GRCh37 (hg19): chr4:36,292,322-36,292,391.
Other names: c.345_348+66dup (NM_001136536.5, NM_001378435.1).
Identifiers: ClinVar variation 1512671 (VCV001512671.6), dbSNP rs2109454164, ClinGen allele CA2573137724.

ClinVar aggregate classification (germline): Uncertain significance (1 of 4 stars; one submission).

Submission:

Labcorp Genetics (formerly Invitae), Labcorp
Classification: Uncertain significance. Last evaluated: 2022-10-17. Review status: criteria provided, single submitter. Criteria: Invitae Variant Classification Sherloc (09022015). Collection method: clinical testing. Allele origin: germline.
Comment: In summary, the available evidence is currently insufficient to determine the role of this variant in disease. Therefore, it has been classified as a Variant of Uncertain Significance. Algorithms developed to predict the effect of sequence changes on RNA splicing suggest that this variant may disrupt the consensus splice site. ClinVar contains an entry for this variant (Variation ID: 1512671). This variant has not been reported in the literature in individuals affected with DTHD1-related conditions. This variant is not present in population databases (gnomAD no frequency). This sequence change falls in intron 2 of the DTHD1 gene. It does not directly change the encoded amino acid sequence of the DTHD1 protein.